The following is an entry in ClinVar:

NM_025099.6(CTC1):c.1140G>T (p.Gly380=)

Gene: CTC1 (CST telomere replication complex component 1; minus strand). Cytogenetic location: 17p13.1.
Variant type: single nucleotide variant.
Coding change: c.1140G>T on transcript NM_025099.6 (MANE Select); coding-DNA position 1140, G replaced by T.
Protein change: p.Gly380=; no amino-acid change (glycine 380 retained).
Molecular consequence: synonymous variant. On other transcripts: non-coding transcript variant (1).
Genome position (GRCh38, 1-based): chr17:8,235,897, C>A on the plus strand (G>T on the coding strand, the complement: CTC1 is on the minus strand). VCF-style: chr17-8235897-C-A. GRCh37 (hg19) VCF-style: chr17-8139215-C-A.
Other names: c.1140G>T (NM_025099.5).
Identifiers: ClinVar variation 1147160 (VCV001147160.11), dbSNP rs201392995, ClinGen allele CA8372450.

ClinVar aggregate classification (germline): Likely benign. Review status: criteria provided, multiple submitters, no conflicts (2 of 4 stars). 3 submissions from 3 submitters: Likely benign (2). 1 of the submissions does not count toward it. Last evaluated 2026-01-26.

Conditions:
CTC1-related disorder. Also called: CTC1-related condition.
Dyskeratosis congenita. Identifiers: Orphanet 1775, MedGen C0265965, MONDO:0015780.

Allele frequency attached by ClinVar (database versions not stated): gnomAD exomes 0.00001 and 0.00006; ExAC 0.00008; TOPMed 0.00033; ESP Exome Variant Server 0.00040; gnomAD 0.00040 and 0.00046.
gnomAD v4.1: 86 of 1,613,790 alleles (0.0053%); highest among the groups gnomAD compares: African/African-American, 0.1%; no homozygotes.

Submissions (3):

Labcorp Genetics (formerly Invitae), Labcorp
Classification: Likely benign for Dyskeratosis congenita. Last evaluated: 2026-01-26. Review status: criteria provided, single submitter. Criteria: Invitae Variant Classification Sherloc (09022015). Collection method: clinical testing. Allele origin: germline.

Blueprint Genetics
Classification: Likely benign. Last evaluated: 2024-06-27. Review status: criteria provided, single submitter. Criteria: ACMG Guidelines, 2015. Collection method: clinical testing. Allele origin: germline.

PreventionGenetics, part of Exact Sciences
Classification: Likely benign for CTC1-related condition. Last evaluated: 2024-09-23. Review status: no assertion criteria provided. Collection method: clinical testing. Allele origin: germline. Not counted in ClinVar's aggregate classification.
Comment: This variant is classified as likely benign based on ACMG/AMP sequence variant interpretation guidelines (Richards et al. 2015 PMID: 25741868, with internal and published modifications).